The following is an entry in ClinVar:

ClinVar aggregate classification (germline): Likely benign (1 of 4 stars; one submission).

Conditions:
beta Thalassemia (BTHAL). Also called: Cooley's anemia; Erythroblastic anemia; Mediterranean anemia. Identifiers: Orphanet 848, MedGen C0005283, MONDO:0019402. Disease mechanism: loss of function.

Submission:

Genetics Laboratory, Al-Manara University for Medical Sciences
Classification: Likely benign for beta Thalassemia. Last evaluated: 2024-05-24. Review status: criteria provided, single submitter. Criteria: ACMG Guidelines, 2015. Collection method: research. Allele origin: germline.
Comment: The HBB:c.316-151A>G variant in the HBB gene (NM_000518.5), located in intron 2, splice distance about -151 bases to the nearest splice site. This variant meets criteria to be classified as likely benign for beta thalassemia according to ACMG/AMP. Criteria applied: BP4_strong, PM2_Supporting.

NM_000518.5(HBB):c.316-151A>G

Genes: HBB (hemoglobin subunit beta; minus strand), LOC107133510 (origin of replication at HBB; plus strand), LOC110006319 (beta-globin gene 3' regulatory region; plus strand). Cytogenetic location: 11p15.4.
Variant type: single nucleotide variant.
Coding change: c.316-151A>G on transcript NM_000518.5 (MANE Select); 151 bases into the intron before coding-DNA position 316, A replaced by G.
Molecular consequence: intron variant.
Genome position (GRCh38, 1-based): chr11:5,225,877, T>C on the plus strand (A>G on the coding strand, the complement: HBB is on the minus strand). VCF-style: chr11-5225877-T-C. GRCh37 (hg19) VCF-style: chr11-5247107-T-C.
Identifiers: ClinVar variation 3910009 (VCV003910009.1).
Genomic context (GRCh38, chr11:5,225,877, plus strand): 5'-AAAAGCAGAATGGTAGCTGGATTGTAGCTGCTATTAGCAATATGAAACCTCTTACATCAG[T>C]TACAATTTATATGCAGAAATATTTATATGCAGAGATATTGCTATTGCCTTAACCCAGAAA-3'